The following is an entry in ClinVar:

NM_017635.5(KMT5B):c.1445T>G (p.Val482Gly)

Gene: KMT5B (lysine methyltransferase 5B; minus strand). Cytogenetic location: 11q13.2.
Variant type: single nucleotide variant.
Coding change: c.1445T>G on transcript NM_017635.5 (MANE Select); coding-DNA position 1445, T replaced by G.
Protein change: p.Val482Gly; replaces valine 482 with glycine.
Molecular consequence: missense variant.
Genome position (GRCh38, 1-based): chr11:68,158,901, A>C on the plus strand (T>G on the coding strand, the complement: KMT5B is on the minus strand). VCF-style: chr11-68158901-A-C. GRCh37 (hg19) VCF-style: chr11-67926368-A-C.
Other names: c.929T>G, p.Val310Gly (NM_001300907.1, NM_001369428.1, NM_001369429.1 and 4 more transcripts); c.725T>G, p.Val242Gly (NM_001300908.2); c.1445T>G, p.Val482Gly (NM_001369426.1); short protein forms V242G, V310G, V482G.
Identifiers: ClinVar variation 2504135 (VCV002504135.2), dbSNP rs2496205259, ClinGen allele CA381594598.

ClinVar aggregate classification (germline): Uncertain significance (1 of 4 stars; one submission).

Submission:

Centre of Medical Genetics, University Hospital Muenster
Classification: Uncertain significance. Last evaluated: 2023-04-17. Review status: criteria provided, single submitter. Criteria: ACMG Guidelines, 2015. Collection method: clinical testing. Allele origin: unknown. Affected: yes. Observed: 1 variant allele, 1 heterozygote.
Comment: ACMG categories: PM2